The following is an entry in ClinVar:

NM_001038603.3(MARVELD2):c.1446G>A (p.Lys482=)

Gene: MARVELD2 (MARVEL domain containing 2; plus strand). Cytogenetic location: 5q13.2.
Variant type: single nucleotide variant.
Coding change: c.1446G>A on transcript NM_001038603.3 (MANE Select); coding-DNA position 1446, G replaced by A.
Protein change: p.Lys482=; no amino-acid change (lysine 482 retained).
Molecular consequence: synonymous variant.
Genome position (GRCh38, 1-based): chr5:69,433,036, G>A. VCF-style: chr5-69433036-G-A. GRCh37 (hg19) VCF-style: chr5-68728863-G-A.
Other names: c.1410G>A, p.Lys470= (NM_001244734.2).
Identifiers: ClinVar variation 512251 (VCV000512251.1), dbSNP rs1554047591, ClinGen allele CA444793889.

ClinVar aggregate classification (germline): Likely benign (1 of 4 stars; one submission).

Submission:

GeneDx
Classification: Likely benign. Last evaluated: 2017-10-12. Review status: criteria provided, single submitter. Criteria: GeneDx Variant Classification (06012015). Collection method: clinical testing. Allele origin: germline. Affected: yes.
Comment: This variant is considered likely benign or benign based on one or more of the following criteria: it is a conservative change, it occurs at a poorly conserved position in the protein, it is predicted to be benign by multiple in silico algorithms, and/or has population frequency not consistent with disease.